The following is an entry in ClinVar:

ClinVar aggregate classification (germline): Likely benign. Review status: criteria provided, multiple submitters, no conflicts (2 of 4 stars). 2 submissions from 2 submitters: Likely benign (2). Last evaluated 2026-07-01.

Allele frequency attached by ClinVar (database versions not stated): gnomAD 0.00001; gnomAD exomes 0.00001 and 0.00005; ExAC 0.00006; TOPMed 0.00007.
gnomAD v4.1: 23 of 1,613,730 alleles (0.0014%); highest among the groups gnomAD compares: Admixed American, 0.032%; no homozygotes.

Submissions (2):

CeGaT Center for Human Genetics Tuebingen
Classification: Likely benign. Last evaluated: 2026-07-01. Review status: criteria provided, single submitter. Criteria: CeGaT Center For Human Genetics Tuebingen Variant Classification Criteria Version 2. Collection method: clinical testing. Allele origin: germline. Affected: yes. Observed: 1 variant allele.
Comment: CYFIP2: BP4, BP7

Labcorp Genetics (formerly Invitae), Labcorp
Classification: Likely benign. Last evaluated: 2025-06-17. Review status: criteria provided, single submitter. Criteria: Invitae Variant Classification Sherloc (09022015). Collection method: clinical testing. Allele origin: germline.

NM_001037333.3(CYFIP2):c.2868C>T (p.Pro956=)

Gene: CYFIP2 (cytoplasmic FMR1 interacting protein 2; plus strand). Cytogenetic location: 5q33.3.
Variant type: single nucleotide variant.
Coding change: c.2868C>T on transcript NM_001037333.3 (MANE Select); coding-DNA position 2868, C replaced by T.
Protein change: p.Pro956=; no amino-acid change (proline 956 retained).
Molecular consequence: synonymous variant.
Genome position (GRCh38, 1-based): chr5:157,360,332, C>T. VCF-style: chr5-157360332-C-T. GRCh37 (hg19) VCF-style: chr5-156787340-C-T.
Other names: c.2790C>T, p.Pro930= (NM_001291721.2); c.2943C>T, p.Pro981= (NM_001291722.2); c.2868C>T, p.Pro956= (NM_014376.4).
Identifiers: ClinVar variation 1595368 (VCV001595368.9), dbSNP rs754292659, ClinGen allele CA3534147.
Genomic context (GRCh38, chr5:157,360,332, plus strand): 5'-CTTTTGTCAGCTCCAAGGAACCATTCTCCAGTATGTGAAAACACTGATAGAGGTGATGCC[C>T]AAGATATGCCGCTTGCCCCGACATGAGTATGGCTCCCCAGGTTGGTGATAGCAAAACAAT-3'
Protein context (NP_001032410.1, residues 946-966): QYVKTLIEVM[Pro956=]KICRLPRHEY